The following is an entry in ClinVar:

ClinVar aggregate classification (germline): Uncertain significance (1 of 4 stars; one submission).

Conditions:
Leber congenital amaurosis 13 (LCA13). Identifiers: MedGen C2675186, MONDO:0012990, OMIM 612712.

Allele frequency attached by ClinVar (database versions not stated): ExAC 0.00001.

Submission:

Labcorp Genetics (formerly Invitae), Labcorp
Classification: Uncertain significance for Leber congenital amaurosis 13. Last evaluated: 2022-11-12. Review status: criteria provided, single submitter. Criteria: Invitae Variant Classification Sherloc (09022015). Collection method: clinical testing. Allele origin: germline.
Comment: In summary, the available evidence is currently insufficient to determine the role of this variant in disease. Therefore, it has been classified as a Variant of Uncertain Significance. This sequence change replaces glycine, which is neutral and non-polar, with tryptophan, which is neutral and slightly polar, at codon 222 of the RDH12 protein (p.Gly222Trp). The frequency data for this variant in the population databases is considered unreliable, as metrics indicate poor data quality at this position in the gnomAD database. This variant has not been reported in the literature in individuals affected with RDH12-related conditions. Advanced modeling of protein sequence and biophysical properties (such as structural, functional, and spatial information, amino acid conservation, physicochemical variation, residue mobility, and thermodynamic stability) has been performed at Invitae for this missense variant, however the output from this modeling did not meet the statistical confidence thresholds required to predict the impact of this variant on RDH12 protein function.

NM_152443.3(RDH12):c.664G>T (p.Gly222Trp)

Genes: GPHN (gephyrin; plus strand), ZFYVE26 (zinc finger FYVE-type containing 26; minus strand), RDH12 (retinol dehydrogenase 12; plus strand). Cytogenetic location: 14q24.1.
Variant type: single nucleotide variant.
Coding change: c.664G>T on transcript NM_152443.3 (MANE Select); coding-DNA position 664, G replaced by T.
Protein change: p.Gly222Trp; replaces glycine 222 with tryptophan.
Molecular consequence: missense variant.
Genome position (GRCh38, 1-based): chr14:67,729,196, G>T. VCF-style: chr14-67729196-G-T. GRCh37 (hg19) VCF-style: chr14-68195913-G-T.
Other names: short protein forms G222W.
Identifiers: ClinVar variation 2879911 (VCV002879911.3), dbSNP rs748826639, ClinGen allele CA7238789.
Genomic context (GRCh38, chr14:67,729,196, plus strand): 5'-TGTTTTCCTGGGCTCAGAGTGTGTCCCTGATCTAATTGTGCCCTCTTTGTCCCAGGCACC[G>T]GGGTCACCACCTACGCAGTGCACCCAGGCGTCGTCCGCTCTGAGCTGGTCCGGCACTCCT-3'
Protein context (NP_689656.2, residues 212-232): RELAKRLQGT[Gly222Trp]VTTYAVHPGV